The following is an entry in ClinVar:

ClinVar aggregate classification (germline): Likely benign (1 of 4 stars; one submission).

Allele frequency attached by ClinVar (database versions not stated): gnomAD 0.00118; TOPMed 0.00145; ESP Exome Variant Server 0.00154; 1000 Genomes Project 0.00180; 1000 Genomes Project 30x 0.00219.

Submission:

GeneDx
Classification: Likely benign. Last evaluated: 2018-01-30. Review status: criteria provided, single submitter. Criteria: GeneDx Variant Classification (06012015). Collection method: clinical testing. Allele origin: germline. Affected: yes.
Comment: This variant is considered likely benign or benign based on one or more of the following criteria: it is a conservative change, it occurs at a poorly conserved position in the protein, it is predicted to be benign by multiple in silico algorithms, and/or has population frequency not consistent with disease.

NM_005005.3(NDUFB9):c.-18G>T

Gene: NDUFB9 (NADH:ubiquinone oxidoreductase subunit B9; plus strand). Cytogenetic location: 8q24.13.
Variant type: single nucleotide variant.
Coding change: c.-18G>T on transcript NM_005005.3 (MANE Select); 18 bases upstream of the start codon, G replaced by T.
Molecular consequence: 5 prime UTR variant.
Genome position (GRCh38, 1-based): chr8:124,539,169, G>T. VCF-style: chr8-124539169-G-T. GRCh37 (hg19) VCF-style: chr8-125551410-G-T.
Other names: c.-151G>T (NM_001278645.2); c.-145G>T (NM_001278646.2); c.-18G>T (NM_001311168.2).
Identifiers: ClinVar variation 380098 (VCV000380098.1), dbSNP rs199613912, ClinGen allele CA4871415.